The following is an entry in ClinVar:

NM_001382391.1(CSPP1):c.2128+1G>A

Gene: CSPP1 (centrosome and spindle pole associated protein 1; plus strand). Cytogenetic location: 8q13.2.
Variant type: single nucleotide variant.
Coding change: c.2128+1G>A on transcript NM_001382391.1 (MANE Select); the canonical splice donor site of the intron after coding-DNA position 2128, G replaced by A.
Molecular consequence: splice donor variant. On other transcripts: intron variant (5).
Genome position (GRCh38, 1-based): chr8:67,149,936, G>A. VCF-style: chr8-67149936-G-A. GRCh37 (hg19) VCF-style: chr8-68062171-G-A.
Other names: c.1934-4088G>A (NM_001363132.2); c.2047+1G>A (NM_001363131.2); c.1853-4088G>A (NM_001363133.2); c.2194+1G>A (NM_001364869.1); c.2113+1G>A (NM_024790.7, NM_001438331.1); c.1961-4088G>A (NM_001438330.1); c.2014+1G>A (NM_001364870.1); c.1430-4088G>A (NM_001438332.1); and 1 more.
Identifiers: ClinVar variation 1066141 (VCV001066141.9), dbSNP rs199791452, ClinGen allele CA4770739.
Genomic context (GRCh38, chr8:67,149,936, plus strand): 5'-ACCCAAATTTAGCCACTTCAAATGCTGAGAACCTAGAAGATGCTGCAAATAAAAGCTCAG[G>A]TTTTTAATCACTTTTTTTTTTTTTTTTTTTTTTTTACATTTCTGAAATTGTTCAGTAACA-3'

ClinVar aggregate classification (germline): Conflicting classifications of pathogenicity. Review status: criteria provided, conflicting classifications (1 of 4 stars). 2 submissions from 2 submitters: Likely pathogenic (1); Uncertain significance (1). Last evaluated 2025-11-08.

Conditions:
Joubert syndrome 21 (JBTS21). Identifiers: MedGen C3810212, MONDO:0014288, OMIM 615636.

Allele frequency attached by ClinVar (database versions not stated): ExAC 0.00005; gnomAD 0.00009; TOPMed 0.00009; gnomAD exomes 0.00011 and 0.00013.
gnomAD v4.1: 191 of 1,478,340 alleles (0.013%); highest among the groups gnomAD compares: Non-Finnish European, 0.016%; no homozygotes.

Submissions (4):

Labcorp Genetics (formerly Invitae), Labcorp
Classification: Likely pathogenic for Joubert syndrome 21. Last evaluated: 2025-11-08. Review status: criteria provided, single submitter. Criteria: Invitae Variant Classification Sherloc (09022015). Collection method: clinical testing. Allele origin: germline.
Comment: This sequence change affects a donor splice site in intron 16 of the CSPP1 gene. It is expected to disrupt RNA splicing. Variants that disrupt the donor or acceptor splice site typically lead to a loss of protein function (PMID: 16199547), and loss-of-function variants in CSPP1 are known to be pathogenic (PMID: 24360807, 24360808). The frequency data for this variant in the population databases is considered unreliable, as metrics indicate poor data quality at this position in the gnomAD database. This variant has not been reported in the literature in individuals affected with CSPP1-related conditions. ClinVar contains an entry for this variant (Variation ID: 1066141). Algorithms developed to predict the effect of sequence changes on RNA splicing suggest that this variant may disrupt the consensus splice site. In summary, the currently available evidence indicates that the variant is pathogenic, but additional data are needed to prove that conclusively. Therefore, this variant has been classified as Likely Pathogenic.

Blueprint Genetics
Classification: Uncertain significance. Last evaluated: 2024-11-20. Review status: criteria provided, single submitter. Criteria: ACMG Guidelines, 2015. Collection method: clinical testing. Allele origin: germline.

Dr. Peter K. Rogan Lab, Western University
No classification provided (evidence only). Condition: Malignant tumor of urinary bladder. Review status: no classification provided. Collection method: in vitro. Allele origin: not applicable. Functional consequence: skipped exon. Not counted in ClinVar's aggregate classification.

Dr. Peter K. Rogan Lab, Western University
No classification provided (evidence only). Condition: Uterine carcinosarcoma. Review status: no classification provided. Collection method: in vitro. Allele origin: not applicable. Functional consequence: skipped exon. Not counted in ClinVar's aggregate classification.

Literature cited by the submitters: PubMed 16199547 (cited by Labcorp Genetics (formerly Invitae), Labcorp); PubMed 24360807 (cited by Labcorp Genetics (formerly Invitae), Labcorp); PubMed 24360808 (cited by Labcorp Genetics (formerly Invitae), Labcorp).